The following is an entry in ClinVar:

NM_000059.4(BRCA2):c.4848A>C (p.Leu1616Phe)

Gene: BRCA2 (BRCA2 DNA repair associated; plus strand). Cytogenetic location: 13q13.1.
Variant type: single nucleotide variant.
Coding change: c.4848A>C on transcript NM_000059.4 (MANE Select); coding-DNA position 4848, A replaced by C.
Protein change: p.Leu1616Phe; replaces leucine 1616 with phenylalanine.
Molecular consequence: missense variant.
Genome position (GRCh38, 1-based): chr13:32,339,203, A>C. VCF-style: chr13-32339203-A-C. GRCh37 (hg19) VCF-style: chr13-32913340-A-C.
Other names: c.4848A>C, p.Leu1616Phe (NM_001406719.1, NM_001406720.1); short protein forms L1616F.
Identifiers: ClinVar variation 1743534 (VCV001743534.7), dbSNP rs876659259, ClinGen allele CA247508534.

ClinVar aggregate classification (germline): Conflicting classifications of pathogenicity. Review status: criteria provided, conflicting classifications (1 of 4 stars). 4 submissions from 4 submitters: Uncertain significance (3); Likely benign (1). Last evaluated 2025-02-17.

Conditions:
Hereditary cancer-predisposing syndrome. Also called: Hereditary Cancer Syndrome; Neoplastic Syndromes, Hereditary; Tumor predisposition; Hereditary neoplastic syndrome. Identifiers: Orphanet 140162, MedGen C0027672, MeSH D009386, MONDO:0015356.
Hereditary breast ovarian cancer syndrome. Also called: Breast and ovarian cancer; Hereditary breast and ovarian cancer; Hereditary breast and/or ovarian cancer syndrome; BRCA1- and BRCA2-Associated Hereditary Breast and Ovarian Cancer; Hereditary breast and ovarian cancer syndrome (HBOC); Hereditary breast and ovarian cancer syndrome. Identifiers: Orphanet 145, MedGen C0677776, MeSH D061325, MONDO:0003582. Disease mechanism: loss of function.

Allele frequency attached by ClinVar (database versions not stated): gnomAD exomes below 0.00001; TOPMed 0.00001.
gnomAD v4.1: 1 of 1,613,540 alleles (0.000062%); highest among the groups gnomAD compares: Non-Finnish European, 0.000085%; no homozygotes.

Submissions (4):

Labcorp Genetics (formerly Invitae), Labcorp
Classification: Uncertain significance for Hereditary breast ovarian cancer syndrome. Last evaluated: 2025-02-17. Review status: criteria provided, single submitter. Criteria: Invitae Variant Classification Sherloc (09022015). Collection method: clinical testing. Allele origin: germline.
Comment: This sequence change replaces leucine, which is neutral and non-polar, with phenylalanine, which is neutral and non-polar, at codon 1616 of the BRCA2 protein (p.Leu1616Phe). This variant is not present in population databases (gnomAD no frequency). This variant has not been reported in the literature in individuals affected with BRCA2-related conditions. ClinVar contains an entry for this variant (Variation ID: 1743534). Invitae Evidence Modeling of protein sequence and biophysical properties (such as structural, functional, and spatial information, amino acid conservation, physicochemical variation, residue mobility, and thermodynamic stability) indicates that this missense variant is not expected to disrupt BRCA2 protein function with a negative predictive value of 95%. In summary, the available evidence is currently insufficient to determine the role of this variant in disease. Therefore, it has been classified as a Variant of Uncertain Significance.

Color Diagnostics, LLC DBA Color Health
Classification: Uncertain significance for Hereditary cancer-predisposing syndrome. Last evaluated: 2024-12-23. Review status: criteria provided, single submitter. Criteria: ACMG Guidelines, 2015. Collection method: clinical testing. Allele origin: germline.
Comment: This missense variant replaces leucine with phenylalanine at codon 1616 of the BRCA2 protein. Computational prediction suggests that this variant may not impact protein structure and function. To our knowledge, functional studies have not been reported for this variant. This variant has not been reported in individuals affected with BRCA2-related disorders in the literature. This variant has not been identified in the general population by the Genome Aggregation Database (gnomAD). The available evidence is insufficient to determine the role of this variant in disease conclusively. Therefore, this variant is classified as a Variant of Uncertain Significance.

Ambry Genetics
Classification: Uncertain significance for Hereditary cancer-predisposing syndrome. Last evaluated: 2023-09-01. Review status: criteria provided, single submitter. Criteria: Ambry Variant Classification Scheme 2023. Collection method: clinical testing. Allele origin: germline.
Comment: The p.L1616F variant (also known as c.4848A>C), located in coding exon 10 of the BRCA2 gene, results from an A to C substitution at nucleotide position 4848. The leucine at codon 1616 is replaced by phenylalanine, an amino acid with highly similar properties. This amino acid position is well conserved in available vertebrate species. In addition, this alteration is predicted to be tolerated by in silico analysis. Since supporting evidence is limited at this time, the clinical significance of this alteration remains unclear.

University of Washington Department of Laboratory Medicine, University of Washington
Classification: Likely benign for Hereditary cancer-predisposing syndrome. Last evaluated: 2023-03-23. Review status: criteria provided, single submitter. Criteria: Dines et al. (Genet Med. 2020). Collection method: curation. Allele origin: germline.
Comment: Missense variant in a coldspot region where missense variants are very unlikely to be pathogenic (PMID:31911673).

BRCA2 exon 11 coldspot. Reclassification based on statistical prior probability.